The following is an entry in ClinVar:

NM_017950.4(CCDC40):c.390_391dup (p.Ser131fs)

Gene: CCDC40 (coiled-coil domain 40 molecular ruler complex subunit; plus strand). Cytogenetic location: 17q25.3.
Variant type: Duplication.
Coding change: c.390_391dup on transcript NM_017950.4 (MANE Select); coding-DNA positions 390 to 391, 2 bases duplicated (TA; older notation c.390_391dupTA).
Protein change: p.Ser131fs; shifts the reading frame from serine 131.
Molecular consequence: frameshift variant.
Genome position (GRCh38, 1-based): chr17:80,040,108-80,040,109, TA duplicated; duplicating any 2 consecutive bases within chr17:80,040,107-80,040,109 gives the same sequence; the c. name uses the placement nearest the transcript's 3' end. VCF-style (leftmost placement, unchanged base first): chr17-80040106-G-GAT. GRCh37 (hg19) VCF-style: chr17-78013905-G-GAT.
Other names: c.390_391dup, p.Ser131fs (NM_001243342.2, NM_001330508.2); short protein forms S131fs.
Identifiers: ClinVar variation 2054714 (VCV002054714.4), dbSNP rs2510284153, ClinGen allele CA1139532759.

ClinVar aggregate classification (germline): Pathogenic (1 of 4 stars; one submission).

Conditions:
Primary ciliary dyskinesia. Also called: Ciliary dyskinesia. Identifiers: Orphanet 244, MedGen C0008780, MONDO:0016575, HP:0012265.

Submission:

Labcorp Genetics (formerly Invitae), Labcorp
Classification: Pathogenic for Primary ciliary dyskinesia. Last evaluated: 2022-08-30. Review status: criteria provided, single submitter. Criteria: Invitae Variant Classification Sherloc (09022015). Collection method: clinical testing. Allele origin: germline.
Comment: This sequence change creates a premature translational stop signal (p.Ser131Ilefs*37) in the CCDC40 gene. It is expected to result in an absent or disrupted protein product. Loss-of-function variants in CCDC40 are known to be pathogenic (PMID: 21131974, 22693285, 23255504). This variant is not present in population databases (gnomAD no frequency). This variant has not been reported in the literature in individuals affected with CCDC40-related conditions. For these reasons, this variant has been classified as Pathogenic.

Literature cited by the submitters: PubMed 21131974; PubMed 22693285; PubMed 23255504.